The following is an entry in ClinVar:

NM_001371623.1(TCOF1):c.1278+60G>C

Gene: TCOF1 (treacle ribosome biogenesis factor 1; plus strand). Cytogenetic location: 5q32.
Variant type: single nucleotide variant.
Coding change: c.1278+60G>C on transcript NM_001371623.1 (MANE Select); 60 bases into the intron after coding-DNA position 1278, G replaced by C.
Molecular consequence: intron variant.
Genome position (GRCh38, 1-based): chr5:150,374,871, G>C. VCF-style: chr5-150374871-G-C. GRCh37 (hg19) VCF-style: chr5-149754434-G-C.
Other names: c.1278+60G>C (NM_001135243.2, NM_001135244.2, NM_001195141.2 and 1 more transcripts); c.1047+60G>C (NM_001135245.2, NM_000356.4).
Identifiers: ClinVar variation 209026 (VCV000209026.2), dbSNP rs143713714, ClinGen allele CA276090.
Genomic context (GRCh38, chr5:150,374,871, plus strand): 5'-GGTGAGGCAGAGGGGAGGGGTGGAGAGTAGCCCCATGCCTAAACCCCAGCACCTGCATGG[G>C]TGTGGCCACCTTTGCCACATCCAGCTCCTGTCTCCACACGTCCACCCTCTGGGCTCTCCC-3'

ClinVar aggregate classification (germline): Likely benign. Review status: criteria provided, single submitter (1 of 4 stars). 2 submissions from 2 submitters: Likely benign (1). 1 of the submissions does not count toward it.

Conditions:
Treacher Collins syndrome 1 (TCS1). Also called: TCOF1-Related Treacher Collins Syndrome. Identifiers: Orphanet 861, MedGen CN315775, MONDO:0007944, OMIM 154500.

Allele frequency attached by ClinVar (database versions not stated): 1000 Genomes Project 0.00419; 1000 Genomes Project 30x 0.00422; TOPMed 0.00729; gnomAD 0.00816 and 0.00827.
gnomAD v4.1: 14,807 of 1,610,052 alleles (0.92%); highest among the groups gnomAD compares: Middle Eastern, 2.5%; 105 homozygotes.

Submissions (2):

Breakthrough Genomics
Classification: Likely benign. Review status: criteria provided, single submitter. Criteria: ACMG Guidelines, 2015. Collection method: not provided. Allele origin: germline. Inheritance: Autosomal dominant inheritance. Affected: yes.

Genetics Laboratories, Oxford Radcliffe Hospitals NHS Trust
Classification: Benign for Treacher collins syndrome 1. Review status: no assertion criteria provided. Collection method: not provided. Allele origin: somatic. Not counted in ClinVar's aggregate classification.